The following is an entry in ClinVar:

NM_000440.3(PDE6A):c.2097del (p.Gln699fs)

Gene: PDE6A (phosphodiesterase 6A; minus strand). Cytogenetic location: 5q32.
Variant type: Deletion.
Coding change: c.2097del on transcript NM_000440.3 (MANE Select); coding-DNA position 2097, one base deleted (G; older notation c.2097delG).
Protein change: p.Gln699fs; shifts the reading frame from glutamine 699.
Molecular consequence: frameshift variant.
Genome position (GRCh38, 1-based): chr5:149,883,467, C deleted on the plus strand (G on the coding strand, the reverse complement: PDE6A is on the minus strand). VCF-style (leftmost placement, unchanged base first): chr5-149883466-AC-A. GRCh37 (hg19) VCF-style: chr5-149263029-AC-A.
Other names: c.1854del, p.Gln618fs (NM_001410788.1); short protein forms Q618fs, Q699fs.
Identifiers: ClinVar variation 4293098 (VCV004293098.1).
Genomic context (GRCh38, chr5:149,883,466, plus strand): 5'-GTTTTAACCCCATCCCAACTCACATAACGATTTCCTTCCGTGTCTGCTCCAGCATCATGT[AC>A]TGTGTCCACTCCTGTTCACTCTCATATGTCTTAGACTGATCCACGATCTTTTGGAACATC-3'

ClinVar aggregate classification (germline): Pathogenic (1 of 4 stars; one submission).

Conditions:
Retinitis pigmentosa 43 (RP43). Identifiers: Orphanet 791, MedGen C3151139, MONDO:0013437, OMIM 613810.

Submission:

3billion
Classification: Pathogenic for Retinitis pigmentosa 43. Last evaluated: 2024-11-20. Review status: criteria provided, single submitter. Criteria: ACMG Guidelines, 2015. Collection method: clinical testing. Allele origin: germline. Affected: yes.
Comment: The variant is not observed in the gnomAD v4.1.0 dataset. Predicted Consequence/Location: Frameshift: predicted to result in a loss or disruption of normal protein function through nonsense-mediated decay (NMD) or protein truncation. Multiple pathogenic variants are reported downstream of the variant. Therefore, this variant is classified as Pathogenic according to the recommendation of ACMG/AMP guideline.